The following is an entry in ClinVar:

ClinVar aggregate classification (germline): Uncertain significance (1 of 4 stars; one submission).

Submission:

Ambry Genetics
Classification: Uncertain significance. Last evaluated: 2024-04-29. Review status: criteria provided, single submitter. Criteria: Ambry Variant Classification Scheme 2023. Collection method: clinical testing. Allele origin: germline.
Comment: The p.E501K variant (also known as c.1501G>A), located in coding exon 13 of the BUB1 gene, results from a G to A substitution at nucleotide position 1501. The glutamic acid at codon 501 is replaced by lysine, an amino acid with similar properties. This amino acid position is conserved. In addition, this alteration is predicted to be tolerated by in silico analysis. Based on the available evidence, the clinical significance of this variant remains unclear.

NM_004336.5(BUB1):c.1501G>A (p.Glu501Lys)

Gene: BUB1 (BUB1 mitotic checkpoint serine/threonine kinase; minus strand). Cytogenetic location: 2q13.
Variant type: single nucleotide variant.
Coding change: c.1501G>A on transcript NM_004336.5 (MANE Select); coding-DNA position 1501, G replaced by A.
Protein change: p.Glu501Lys; replaces glutamic acid 501 with lysine.
Molecular consequence: missense variant.
Genome position (GRCh38, 1-based): chr2:110,658,425, C>T on the plus strand (G>A on the coding strand, the complement: BUB1 is on the minus strand). VCF-style: chr2-110658425-C-T. GRCh37 (hg19) VCF-style: chr2-111416002-C-T.
Other names: c.1441G>A, p.Glu481Lys (NM_001278616.2); c.1501G>A, p.Glu501Lys (NM_001278617.2); short protein forms E481K, E501K.
Identifiers: ClinVar variation 3262151 (VCV003262151.1).